The following is an entry in ClinVar:

ClinVar aggregate classification (germline): Uncertain significance (1 of 4 stars; one submission).

Conditions:
Wilson disease (WND). Also called: Wilson's disease. Identifiers: Orphanet 905, MedGen C0019202, MONDO:0010200, OMIM 277900. Disease mechanism: loss of function.

Submission:

Labcorp Genetics (formerly Invitae), Labcorp
Classification: Uncertain significance for Wilson disease. Last evaluated: 2024-11-04. Review status: criteria provided, single submitter. Criteria: Invitae Variant Classification Sherloc (09022015). Collection method: clinical testing. Allele origin: germline.
Comment: This sequence change replaces alanine, which is neutral and non-polar, with serine, which is neutral and polar, at codon 791 of the ATP7B protein (p.Ala791Ser). This variant is not present in population databases (gnomAD no frequency). This variant has not been reported in the literature in individuals affected with ATP7B-related conditions. ClinVar contains an entry for this variant (Variation ID: 1905394). Invitae Evidence Modeling of protein sequence and biophysical properties (such as structural, functional, and spatial information, amino acid conservation, physicochemical variation, residue mobility, and thermodynamic stability) indicates that this missense variant is expected to disrupt ATP7B protein function with a positive predictive value of 80%. In summary, the available evidence is currently insufficient to determine the role of this variant in disease. Therefore, it has been classified as a Variant of Uncertain Significance.

NM_000053.4(ATP7B):c.2371G>T (p.Ala791Ser)

Gene: ATP7B (ATPase copper transporting beta; minus strand). Cytogenetic location: 13q14.3.
Variant type: single nucleotide variant.
Coding change: c.2371G>T on transcript NM_000053.4 (MANE Select); coding-DNA position 2371, G replaced by T.
Protein change: p.Ala791Ser; replaces alanine 791 with serine.
Molecular consequence: missense variant.
Genome position (GRCh38, 1-based): chr13:51,957,592, C>A on the plus strand (G>T on the coding strand, the complement: ATP7B is on the minus strand). VCF-style: chr13-51957592-C-A. GRCh37 (hg19) VCF-style: chr13-52531728-C-A.
Other names: c.2371G>T, p.Ala791Ser (NM_001406516.1, NM_001406519.1, NM_001406523.1 and 7 more transcripts); c.2275G>T, p.Ala759Ser (NM_001406517.1, NM_001406518.1); c.2227G>T, p.Ala743Ser (NM_001406520.1, NM_001406521.1, NM_001406522.1 and 1 more transcripts); c.2194G>T, p.Ala732Ser (NM_001406524.1); c.2137G>T, p.Ala713Ser (NM_001406538.1, NM_001330578.2, NM_001406527.1 and 2 more transcripts); c.1942G>T, p.Ala648Ser (NM_001406539.1); c.2119G>T, p.Ala707Ser (NM_001406540.1, NM_001330579.2, NM_001406531.1 and 1 more transcripts); c.1885G>T, p.Ala629Ser (NM_001406541.1, NM_001406542.1, NM_001406546.1 and 1 more transcripts); and 7 more; short protein forms A648S, A680S, A732S, A791S, A629S, A675S, A713S, A743S.
Identifiers: ClinVar variation 1905394 (VCV001905394.3), dbSNP rs1958438657, ClinGen allele CA388020387.
Genomic context (GRCh38, chr13:51,957,592, plus strand): 5'-CCTCACCAAGGGTCACAACGGTGGCTTCTGTGGCTTGGAGAGACATGAGTTTAGCCAGGG[C>A]TTCTGAGGTTTTGCTCTAGGAAATAACCAGAATGTGAAATGAGAGCTATCGAAAGCAGAC-3'
Protein context (NP_000044.2, residues 781-801): EHLAKSKTSE[Ala791Ser]LAKLMSLQAT